The following is an entry in ClinVar:

NM_006767.4(LZTR1):c.1243G>A (p.Glu415Lys)

Gene: LZTR1 (leucine zipper like post translational regulator 1; plus strand). Cytogenetic location: 22q11.21.
Variant type: single nucleotide variant.
Coding change: c.1243G>A on transcript NM_006767.4 (MANE Select); coding-DNA position 1243, G replaced by A.
Protein change: p.Glu415Lys; replaces glutamic acid 415 with lysine.
Molecular consequence: missense variant.
Genome position (GRCh38, 1-based): chr22:20,992,887, G>A. VCF-style: chr22-20992887-G-A. GRCh37 (hg19) VCF-style: chr22-21347176-G-A.
Other names: short protein forms E415K.
Identifiers: ClinVar variation 3238041 (VCV003238041.2), dbSNP rs1436064204.
Genomic context (GRCh38, chr22:20,992,887, plus strand): 5'-GTCATCTCGGACGCCATGTACATCTTCGGGGGCACGGTGGACAACAACATCCGCAGCGGG[G>A]AGATGTACAGGTTCCAGGTGTGGGGCCTGTGGGCCTGTAGAGCCGGCTGGGTGGACGGAT-3'
Protein context (NP_006758.2, residues 405-425): GTVDNNIRSG[Glu415Lys]MYRFQFSCYP

ClinVar aggregate classification (germline): Uncertain significance. Review status: criteria provided, multiple submitters, no conflicts (2 of 4 stars). 2 submissions from 2 submitters: Uncertain significance (2). Last evaluated 2025-08-06.

Conditions:
Hereditary cancer-predisposing syndrome. Also called: Neoplastic Syndromes, Hereditary; Tumor predisposition; Hereditary neoplastic syndrome; Hereditary Cancer Syndrome. Identifiers: Orphanet 140162, MedGen C0027672, MeSH D009386, MONDO:0015356.
Cardiovascular phenotype. Identifiers: MedGen CN230736.

Submissions (2):

GeneDx
Classification: Uncertain significance. Last evaluated: 2025-08-06. Review status: criteria provided, single submitter. Criteria: GeneDx Variant Classification Process June 2021. Collection method: clinical testing. Allele origin: germline. Affected: yes.
Comment: Not observed at significant frequency in large population cohorts (gnomAD); In silico analysis supports that this missense variant has a deleterious effect on protein structure/function; Has not been previously published as pathogenic or benign to our knowledge

Ambry Genetics
Classification: Uncertain significance for Cardiovascular phenotype; Hereditary cancer-predisposing syndrome. Last evaluated: 2023-12-05. Review status: criteria provided, single submitter. Criteria: Ambry Variant Classification Scheme 2023. Collection method: clinical testing. Allele origin: germline.
Comment: The p.E415K variant (also known as c.1243G>A), located in coding exon 11 of the LZTR1 gene, results from a G to A substitution at nucleotide position 1243. The glutamic acid at codon 415 is replaced by lysine, an amino acid with similar properties. This amino acid position is conserved. In addition, the in silico prediction for this alteration is inconclusive. Since supporting evidence is limited at this time, the clinical significance of this alteration remains unclear.